The following is an entry in ClinVar:

ClinVar aggregate classification (germline): Likely benign. Review status: criteria provided, single submitter (1 of 4 stars). 2 submissions from 2 submitters: Likely benign (1). 1 of the submissions does not count toward it. Last evaluated 2025-11-24.

Conditions:
PLXNA2-related disorder. Also called: PLXNA2-related condition.

Allele frequency attached by ClinVar (database versions not stated): gnomAD 0.00004; ExAC 0.00014.
gnomAD v4.1: 99 of 1,613,636 alleles (0.0061%); highest among the groups gnomAD compares: South Asian, 0.089%; 1 homozygote.

Submissions (2):

Labcorp Genetics (formerly Invitae), Labcorp
Classification: Likely benign. Last evaluated: 2025-11-24. Review status: criteria provided, single submitter. Criteria: Invitae Variant Classification Sherloc (09022015). Collection method: clinical testing. Allele origin: germline.

PreventionGenetics, part of Exact Sciences
Classification: Likely benign for PLXNA2-related condition. Last evaluated: 2023-07-10. Review status: no assertion criteria provided. Collection method: clinical testing. Allele origin: germline. Not counted in ClinVar's aggregate classification.
Comment: This variant is classified as likely benign based on ACMG/AMP sequence variant interpretation guidelines (Richards et al. 2015 PMID: 25741868, with internal and published modifications).

NM_025179.4(PLXNA2):c.2004C>T (p.Ser668=)

Gene: PLXNA2 (plexin A2; minus strand). Cytogenetic location: 1q32.2.
Variant type: single nucleotide variant.
Coding change: c.2004C>T on transcript NM_025179.4 (MANE Select); coding-DNA position 2004, C replaced by T.
Protein change: p.Ser668=; no amino-acid change (serine 668 retained).
Molecular consequence: synonymous variant.
Genome position (GRCh38, 1-based): chr1:208,092,879, G>A on the plus strand (C>T on the coding strand, the complement: PLXNA2 is on the minus strand). VCF-style: chr1-208092879-G-A. GRCh37 (hg19) VCF-style: chr1-208266224-G-A.
Other names: c.2004C>T (NM_025179.3).
Identifiers: ClinVar variation 2885335 (VCV002885335.5), dbSNP rs369545013, ClinGen allele CA1373644.
Genomic context (GRCh38, chr1:208,092,879, plus strand): 5'-GCAGGTGGTGGGGTCATGAGTGCAGAGGTTGCGGTACTTGCACCAATGGCAGCGGAAGGC[G>A]CTGTTGACACAGGACAGGCACCTGCAAGGACAGAGATGGTGAGAGGCAAAGAGAAGAGAA-3'
Protein context (NP_079455.3, residues 658-678): AHQLCLSCVN[Ser668=]AFRCHWCKYR